The following is an entry in ClinVar:

NM_000398.7(CYB5R3):c.432C>T (p.Gly144=)

Gene: CYB5R3 (cytochrome b5 reductase 3; minus strand). Cytogenetic location: 22q13.2.
Variant type: single nucleotide variant.
Coding change: c.432C>T on transcript NM_000398.7 (MANE Select); coding-DNA position 432, C replaced by T.
Protein change: p.Gly144=; no amino-acid change (glycine 144 retained).
Molecular consequence: synonymous variant.
Genome position (GRCh38, 1-based): chr22:42,628,183, G>A on the plus strand (C>T on the coding strand, the complement: CYB5R3 is on the minus strand). VCF-style: chr22-42628183-G-A. GRCh37 (hg19) VCF-style: chr22-43024189-G-A.
Other names: p.Gly144=; c.363C>T, p.Gly121= (NM_001129819.2, NM_001171661.1, NM_007326.4); c.531C>T, p.Gly177= (NM_001171660.2).
Identifiers: ClinVar variation 778956 (VCV000778956.47), dbSNP rs112669378, ClinGen allele CA10269764.

ClinVar aggregate classification (germline): Benign/Likely benign. Review status: criteria provided, multiple submitters, no conflicts (2 of 4 stars). 6 submissions from 6 submitters: Benign (2); Likely benign (4). Last evaluated 2026-08-01.

Conditions:
CYB5R3-related disorder. Also called: CYB5R3-related condition.

Allele frequency attached by ClinVar (database versions not stated): 1000 Genomes Project 30x 0.00094; 1000 Genomes Project 0.00100; TOPMed 0.00272; gnomAD exomes 0.00288 and 0.00432; ExAC 0.00295; gnomAD 0.00314 and 0.00315; ESP Exome Variant Server 0.00400.
gnomAD v4.1: 6,721 of 1,614,086 alleles (0.42%); highest among the groups gnomAD compares: Middle Eastern, 0.66%; 16 homozygotes.

Submissions (6):

CeGaT Center for Human Genetics Tuebingen
Classification: Likely benign. Last evaluated: 2026-08-01. Review status: criteria provided, single submitter. Criteria: CeGaT Center For Human Genetics Tuebingen Variant Classification Criteria Version 2. Collection method: clinical testing. Allele origin: germline. Affected: yes. Observed: 8 variant alleles.
Comment: CYB5R3: PM5, BS2

Labcorp Genetics (formerly Invitae), Labcorp
Classification: Benign. Last evaluated: 2026-01-12. Review status: criteria provided, single submitter. Criteria: Invitae Variant Classification Sherloc (09022015). Collection method: clinical testing. Allele origin: germline.

PreventionGenetics, part of Exact Sciences
Classification: Likely benign for CYB5R3-related condition. Last evaluated: 2025-09-15. Review status: criteria provided, single submitter. Criteria: ACMG Guidelines, 2015. Collection method: clinical testing. Allele origin: germline.
Comment: This variant is classified as likely benign based on ACMG/AMP sequence variant interpretation guidelines (Richards et al. 2015 PMID: 25741868, with internal and published modifications).

ARUP Laboratories, Molecular Genetics and Genomics, ARUP Laboratories
Classification: Likely benign. Last evaluated: 2024-05-07. Review status: criteria provided, single submitter. Criteria: ARUP Molecular Germline Variant Investigation Process 2024. Collection method: clinical testing. Allele origin: germline.

Mayo Clinic Laboratories, Mayo Clinic
Classification: Benign. Last evaluated: 2023-10-25. Review status: criteria provided, single submitter. Criteria: ACMG Guidelines, 2015. Collection method: clinical testing. Allele origin: germline. Observed: 6 variant alleles.
Comment: BS1, BS2, BP4, BP7

Breakthrough Genomics
Classification: Likely benign. Review status: criteria provided, single submitter. Criteria: ACMG Guidelines, 2015. Collection method: not provided. Allele origin: germline. Inheritance: Autosomal recessive inheritance. Affected: yes.